The following is an entry in ClinVar:

ClinVar aggregate classification (germline): Likely benign (1 of 4 stars; one submission).

Submission:

CeGaT Center for Human Genetics Tuebingen
Classification: Likely benign. Last evaluated: 2023-10-01. Review status: criteria provided, single submitter. Criteria: CeGaT Center For Human Genetics Tuebingen Variant Classification Criteria Version 2. Collection method: clinical testing. Allele origin: germline. Affected: yes. Observed: 1 variant allele.
Comment: DHX30: PM2:Supporting, BP4, BP7

NM_138615.3(DHX30):c.75C>G (p.Arg25=)

Gene: DHX30 (DExH-box helicase 30; plus strand). Cytogenetic location: 3p21.31.
Variant type: single nucleotide variant.
Coding change: c.75C>G on transcript NM_138615.3 (MANE Select); coding-DNA position 75, C replaced by G.
Protein change: p.Arg25=; no amino-acid change (arginine 25 retained).
Molecular consequence: synonymous variant. On other transcripts: 5 prime UTR variant (2).
Genome position (GRCh38, 1-based): chr3:47,818,068, C>G. VCF-style: chr3-47818068-C-G. GRCh37 (hg19) VCF-style: chr3-47859558-C-G.
Other names: c.-10C>G (NM_001330990.2); c.-72C>G (NM_014966.4).
Identifiers: ClinVar variation 2653767 (VCV002653767.24), dbSNP rs2549251900, ClinGen allele CA433508357.